The following is an entry in ClinVar:

NM_006790.3(MYOT):c.335T>A (p.Ile112Asn)

Genes: MYOT (myotilin; plus strand), PKD2L2-DT (PKD2L2 divergent transcript; minus strand). Cytogenetic location: 5q31.2.
Variant type: single nucleotide variant.
Coding change: c.335T>A on transcript NM_006790.3 (MANE Select); coding-DNA position 335, T replaced by A.
Protein change: p.Ile112Asn; replaces isoleucine 112 with asparagine.
Molecular consequence: missense variant. On other transcripts: 5 prime UTR variant (1), intron variant (1).
Genome position (GRCh38, 1-based): chr5:137,870,986, T>A. VCF-style: chr5-137870986-T-A. GRCh37 (hg19) VCF-style: chr5-137206675-T-A.
Other names: c.-11T>A (NM_001300911.2); c.-197+461T>A (NM_001135940.2); short protein forms I112N.
Identifiers: ClinVar variation 351022 (VCV000351022.16), dbSNP rs752723849, ClinGen allele CA3422883.

ClinVar aggregate classification (germline): Uncertain significance. Review status: criteria provided, multiple submitters, no conflicts (2 of 4 stars). 2 submissions from 2 submitters: Uncertain significance (2). Last evaluated 2025-09-30.

Conditions:
Myofibrillar myopathy 3 (MFM3). Also called: Muscular dystrophy, proximal, type 1A; Autosomal dominant spheroid body myopathy. Identifiers: Orphanet 266, Orphanet 268129, MedGen C3714934, MONDO:0012215, OMIM 609200.

Allele frequency attached by ClinVar (database versions not stated): gnomAD exomes 0.00001 and 0.00003; ExAC 0.00002; gnomAD 0.00002; TOPMed 0.00003.
gnomAD v4.1: 47 of 1,613,626 alleles (0.0029%); highest among the groups gnomAD compares: Non-Finnish European, 0.0039%; no homozygotes.

Submissions (2):

Labcorp Genetics (formerly Invitae), Labcorp
Classification: Uncertain significance for Myofibrillar myopathy 3. Last evaluated: 2025-09-30. Review status: criteria provided, single submitter. Criteria: Invitae Variant Classification Sherloc (09022015). Collection method: clinical testing. Allele origin: germline.
Comment: This sequence change replaces isoleucine, which is neutral and non-polar, with asparagine, which is neutral and polar, at codon 112 of the MYOT protein (p.Ile112Asn). This variant is present in population databases (rs752723849, gnomAD 0.002%). This variant has not been reported in the literature in individuals affected with MYOT-related conditions. ClinVar contains an entry for this variant (Variation ID: 351022). Invitae Evidence Modeling of protein sequence and biophysical properties (such as structural, functional, and spatial information, amino acid conservation, physicochemical variation, residue mobility, and thermodynamic stability) indicates that this missense variant is not expected to disrupt MYOT protein function with a negative predictive value of 80%. In summary, the available evidence is currently insufficient to determine the role of this variant in disease. Therefore, it has been classified as a Variant of Uncertain Significance.

Illumina Laboratory Services, Illumina
Classification: Uncertain significance for Myofibrillar myopathy 3. Last evaluated: 2018-01-12. Review status: criteria provided, single submitter. Criteria: ICSL Variant Classification Criteria 13 December 2019. Collection method: clinical testing. Allele origin: germline.